The following is an entry in ClinVar:

NM_016333.4(SRRM2):c.4793C>G (p.Ser1598Cys)

Gene: SRRM2 (serine/arginine repetitive matrix 2; plus strand). Cytogenetic location: 16p13.3.
Variant type: single nucleotide variant.
Coding change: c.4793C>G on transcript NM_016333.4 (MANE Select); coding-DNA position 4793, C replaced by G.
Protein change: p.Ser1598Cys; replaces serine 1598 with cysteine.
Molecular consequence: missense variant.
Genome position (GRCh38, 1-based): chr16:2,765,321, C>G. VCF-style: chr16-2765321-C-G. GRCh37 (hg19) VCF-style: chr16-2815322-C-G.
Other names: short protein forms S1598C.
Identifiers: ClinVar variation 4527847 (VCV004527847.1).

ClinVar aggregate classification (germline): Uncertain significance (1 of 4 stars; one submission).

Submission:

GeneDx
Classification: Uncertain significance. Last evaluated: 2025-04-30. Review status: criteria provided, single submitter. Criteria: GeneDx Variant Classification Process June 2021. Collection method: clinical testing. Allele origin: germline. Affected: yes.
Comment: Not observed at significant frequency in large population cohorts (gnomAD); In silico analysis indicates that this missense variant does not alter protein structure/function; Has not been previously published as pathogenic or benign to our knowledge